The following is an entry in ClinVar:

NM_004333.6(BRAF):c.-10C>G

Gene: BRAF (B-Raf proto-oncogene, serine/threonine kinase; minus strand). Cytogenetic location: 7q34.
Variant type: single nucleotide variant.
Coding change: c.-10C>G on transcript NM_004333.6 (MANE Select); 10 bases upstream of the start codon, C replaced by G.
Molecular consequence: 5 prime UTR variant.
Genome position (GRCh38, 1-based): chr7:140,924,713, G>C on the plus strand (C>G on the coding strand, the complement: BRAF is on the minus strand). VCF-style: chr7-140924713-G-C. GRCh37 (hg19) VCF-style: chr7-140624513-G-C.
Other names: c.-10C>G (NM_001354609.2, NM_001374244.1, NM_001374258.1 and 7 more transcripts).
Identifiers: ClinVar variation 3055974 (VCV003055974.2), dbSNP rs2129153496, ClinGen allele CA2740094881.

ClinVar aggregate classification (germline): Likely benign (0 of 4 stars; one submission).

Conditions:
BRAF-related disorder. Also called: BRAF-related condition.

Submission:

PreventionGenetics, part of Exact Sciences
Classification: Likely benign for BRAF-related condition. Last evaluated: 2021-07-23. Review status: no assertion criteria provided. Collection method: clinical testing. Allele origin: germline.
Comment: This variant is classified as likely benign based on ACMG/AMP sequence variant interpretation guidelines (Richards et al. 2015 PMID: 25741868, with internal and published modifications).